The following is an entry in ClinVar:

ClinVar aggregate classification (germline): Uncertain significance (1 of 4 stars; one submission).

Submission:

Labcorp Genetics (formerly Invitae), Labcorp
Classification: Uncertain significance. Last evaluated: 2026-02-03. Review status: criteria provided, single submitter. Criteria: Invitae Variant Classification Sherloc (09022015). Collection method: clinical testing. Allele origin: germline.
Comment: This sequence change replaces serine, which is neutral and polar, with proline, which is neutral and non-polar, at codon 225 of the GNA11 protein (p.Ser225Pro). This variant is not present in population databases (gnomAD no frequency). This variant has not been reported in the literature in individuals affected with GNA11-related conditions. Invitae Evidence Modeling of protein sequence and biophysical properties (such as structural, functional, and spatial information, amino acid conservation, physicochemical variation, residue mobility, and thermodynamic stability) indicates that this missense variant is expected to disrupt GNA11 protein function with a positive predictive value of 80%. In summary, the available evidence is currently insufficient to determine the role of this variant in disease. Therefore, it has been classified as a Variant of Uncertain Significance.

NM_002067.5(GNA11):c.673T>C (p.Ser225Pro)

Gene: GNA11 (G protein subunit alpha 11; plus strand). Cytogenetic location: 19p13.3.
Variant type: single nucleotide variant.
Coding change: c.673T>C on transcript NM_002067.5 (MANE Select); coding-DNA position 673, T replaced by C.
Protein change: p.Ser225Pro; replaces serine 225 with proline.
Molecular consequence: missense variant.
Genome position (GRCh38, 1-based): chr19:3,118,991, T>C. VCF-style: chr19-3118991-T-C. GRCh37 (hg19) VCF-style: chr19-3118989-T-C.
Other names: short protein forms S225P.
Identifiers: ClinVar variation 4696006 (VCV004696006.1).